The following is an entry in ClinVar:

ClinVar aggregate classification (germline): Pathogenic (1 of 4 stars; one submission).

Allele frequency attached by ClinVar (database versions not stated): gnomAD exomes below 0.00001.
gnomAD v4.1: 2 of 1,614,046 alleles (0.00012%); highest among the groups gnomAD compares: Non-Finnish European, 0.00017%; no homozygotes.

Submission:

Labcorp Genetics (formerly Invitae), Labcorp
Classification: Pathogenic. Last evaluated: 2022-09-19. Review status: criteria provided, single submitter. Criteria: Invitae Variant Classification Sherloc (09022015). Collection method: clinical testing. Allele origin: germline.
Comment: For these reasons, this variant has been classified as Pathogenic. ClinVar contains an entry for this variant (Variation ID: 1524256). This variant has not been reported in the literature in individuals affected with IARS2-related conditions. This variant is not present in population databases (gnomAD no frequency). This sequence change creates a premature translational stop signal (p.Glu688*) in the IARS2 gene. It is expected to result in an absent or disrupted protein product. Loss-of-function variants in IARS2 are known to be pathogenic (PMID: 33327715).

Literature cited by the submitters: PubMed 33327715.

NM_018060.4(IARS2):c.2062G>T (p.Glu688Ter)

Gene: IARS2 (isoleucyl-tRNA synthetase 2, mitochondrial; plus strand). Cytogenetic location: 1q41.
Variant type: single nucleotide variant.
Coding change: c.2062G>T on transcript NM_018060.4 (MANE Select); coding-DNA position 2062, G replaced by T.
Protein change: p.Glu688Ter; replaces glutamic acid 688 with a stop codon.
Molecular consequence: nonsense.
Genome position (GRCh38, 1-based): chr1:220,137,930, G>T. VCF-style: chr1-220137930-G-T. GRCh37 (hg19) VCF-style: chr1-220311272-G-T.
Other names: short protein forms E688*.
Identifiers: ClinVar variation 1524256 (VCV001524256.6), dbSNP rs2102839341, ClinGen allele CA344613083.